The following is an entry in ClinVar:

ClinVar aggregate classification (germline): Uncertain significance (1 of 4 stars; one submission).

gnomAD v4.1: 1 of 1,614,182 alleles (0.000062%); highest among the groups gnomAD compares: Non-Finnish European, 0.000085%; no homozygotes.

Submission:

Greenwood Genetic Center Diagnostic Laboratories, Greenwood Genetic Center
Classification: Uncertain significance. Last evaluated: 2025-03-25. Review status: criteria provided, single submitter. Criteria: ACMG Guidelines, 2015. Collection method: clinical testing. Allele origin: germline.
Comment: PM2, PP3

NM_006662.3(SRCAP):c.3347T>C (p.Leu1116Pro)

Gene: SRCAP (Snf2 related CREBBP activator protein; plus strand). Cytogenetic location: 16p11.2.
Variant type: single nucleotide variant.
Coding change: c.3347T>C on transcript NM_006662.3 (MANE Select); coding-DNA position 3347, T replaced by C.
Protein change: p.Leu1116Pro; replaces leucine 1116 with proline.
Molecular consequence: missense variant.
Genome position (GRCh38, 1-based): chr16:30,721,282, T>C. VCF-style: chr16-30721282-T-C. GRCh37 (hg19) VCF-style: chr16-30732603-T-C.
Other names: short protein forms L1116P.
Identifiers: ClinVar variation 4850835 (VCV004850835.1).